The following is an entry in ClinVar:

NM_000368.5(TSC1):c.2884A>T (p.Ile962Phe)

Gene: TSC1 (TSC complex subunit 1; minus strand). Cytogenetic location: 9q34.13.
Variant type: single nucleotide variant.
Coding change: c.2884A>T on transcript NM_000368.5 (MANE Select); coding-DNA position 2884, A replaced by T.
Protein change: p.Ile962Phe; replaces isoleucine 962 with phenylalanine.
Molecular consequence: missense variant. On other transcripts: non-coding transcript variant (5).
Genome position (GRCh38, 1-based): chr9:132,897,275, T>A on the plus strand (A>T on the coding strand, the complement: TSC1 is on the minus strand). VCF-style: chr9-132897275-T-A. GRCh37 (hg19) VCF-style: chr9-135772662-T-A.
Other names: c.2881A>T, p.Ile961Phe (NM_001162426.2, NM_001406597.1, NM_001406598.1 and 2 more transcripts); c.2731A>T, p.Ile911Phe (NM_001162427.2, NM_001406610.1); c.2521A>T, p.Ile841Phe (NM_001362177.2, NM_001406614.1, NM_001406615.1 and 4 more transcripts); c.2884A>T, p.Ile962Phe (NM_001406592.1, NM_001406593.1, NM_001406594.1 and 2 more transcripts); c.2869A>T, p.Ile957Phe (NM_001406601.1, NM_001406602.1); c.2866A>T, p.Ile956Phe (NM_001406603.1, NM_001406604.1); c.2842A>T, p.Ile948Phe (NM_001406605.1, NM_001406606.1, NM_001406607.1); c.2839A>T, p.Ile947Phe (NM_001406608.1, NM_001406609.1); and 8 more; short protein forms I840F, I841F, I947F, I956F, I957F, I644F, I911F, I826F.
Identifiers: ClinVar variation 3462491 (VCV003462491.1).

ClinVar aggregate classification (germline): Uncertain significance (1 of 4 stars; one submission).

Conditions:
Hereditary cancer-predisposing syndrome. Also called: Tumor predisposition; Neoplastic Syndromes, Hereditary; Hereditary neoplastic syndrome; Hereditary Cancer Syndrome. Identifiers: Orphanet 140162, MedGen C0027672, MeSH D009386, MONDO:0015356.

Submission:

Ambry Genetics
Classification: Uncertain significance for Hereditary cancer-predisposing syndrome. Last evaluated: 2024-10-24. Review status: criteria provided, single submitter. Criteria: Ambry Variant Classification Scheme 2023. Collection method: clinical testing. Allele origin: germline.
Comment: The p.I962F variant (also known as c.2884A>T), located in coding exon 20 of the TSC1 gene, results from an A to T substitution at nucleotide position 2884. The isoleucine at codon 962 is replaced by phenylalanine, an amino acid with highly similar properties. This amino acid position is conserved. In addition, the in silico prediction for this alteration is inconclusive. Based on the available evidence, the clinical significance of this variant remains unclear.